The following is an entry in ClinVar:

NM_015175.3(NBEAL2):c.5103C>T (p.Phe1701=)

Gene: NBEAL2 (neurobeachin like 2; plus strand). Cytogenetic location: 3p21.31.
Variant type: single nucleotide variant.
Coding change: c.5103C>T on transcript NM_015175.3 (MANE Select); coding-DNA position 5103, C replaced by T.
Protein change: p.Phe1701=; no amino-acid change (phenylalanine 1701 retained).
Molecular consequence: synonymous variant.
Genome position (GRCh38, 1-based): chr3:47,002,240, C>T. VCF-style: chr3-47002240-C-T. GRCh37 (hg19) VCF-style: chr3-47043730-C-T.
Other names: p.Phe1701=; c.5001C>T, p.Phe1667= (NM_001365116.2).
Identifiers: ClinVar variation 345670 (VCV000345670.14), dbSNP rs199537643, ClinGen allele CA2361424.

ClinVar aggregate classification (germline): Benign/Likely benign. Review status: criteria provided, multiple submitters, no conflicts (2 of 4 stars). 5 submissions from 5 submitters: Benign (2); Likely benign (3). Last evaluated 2026-01-24.

Conditions:
Gray platelet syndrome (GPS). Also called: BLEEDING DISORDER, PLATELET-TYPE, 4. Identifiers: Orphanet 721, MedGen C0272302, MONDO:0007686, OMIM 139090.

Allele frequency attached by ClinVar (database versions not stated): 1000 Genomes Project 30x 0.00078; 1000 Genomes Project 0.00080; gnomAD exomes 0.00215; TOPMed 0.00229; gnomAD 0.00259 and 0.00260; ESP Exome Variant Server 0.00300; ExAC 0.00566.
gnomAD v4.1: 5,646 of 1,552,028 alleles (0.36%); highest among the groups gnomAD compares: Non-Finnish European, 0.43%; 21 homozygotes.

Submissions (5):

Labcorp Genetics (formerly Invitae), Labcorp
Classification: Benign. Last evaluated: 2026-01-24. Review status: criteria provided, single submitter. Criteria: Invitae Variant Classification Sherloc (09022015). Collection method: clinical testing. Allele origin: germline.

Blueprint Genetics
Classification: Likely benign. Last evaluated: 2024-11-19. Review status: criteria provided, single submitter. Criteria: ACMG Guidelines, 2015. Collection method: clinical testing. Allele origin: germline.

Mayo Clinic Laboratories, Mayo Clinic
Classification: Benign. Last evaluated: 2023-10-02. Review status: criteria provided, single submitter. Criteria: ACMG Guidelines, 2015. Collection method: clinical testing. Allele origin: germline. Observed: 5 variant alleles.
Comment: BS2, BP4, BP7

Knight Diagnostic Laboratories, Oregon Health and Sciences University
Classification: Likely benign. Last evaluated: 2019-01-25. Review status: criteria provided, single submitter. Criteria: ACMG Guidelines, 2015. Collection method: clinical testing. Allele origin: germline. Observed: 1 variant allele.

Illumina Laboratory Services, Illumina
Classification: Likely benign for Gray platelet syndrome. Last evaluated: 2018-01-12. Review status: criteria provided, single submitter. Criteria: ICSL Variant Classification Criteria 13 December 2019. Collection method: clinical testing. Allele origin: germline.
Comment: This variant was observed in the ICSL laboratory as part of a predisposition screen in an ostensibly healthy population. It had not been previously curated by ICSL or reported in the Human Gene Mutation Database (HGMD: prior to June 1st, 2018), and was therefore a candidate for classification through an automated scoring system. Utilizing variant allele frequency, disease prevalence and penetrance estimates, and inheritance mode, an automated score was calculated to assess if this variant is too frequent to cause the disease. Based on the score and internal cut-off values, a variant classified as likely benign is not then subjected to further curation. The score for this variant resulted in a classification of likely benign for this disease.